The following is an entry in ClinVar:

ClinVar aggregate classification (germline): Benign. Review status: criteria provided, multiple submitters, no conflicts (2 of 4 stars). 2 submissions from 2 submitters: Benign (2). Last evaluated 2026-01-25.

Conditions:
Autosomal recessive distal renal tubular acidosis. Identifiers: Orphanet 402041, MedGen C1864498, MONDO:0018440.

Allele frequency attached by ClinVar (database versions not stated): gnomAD exomes 0.00154; ExAC 0.00203; gnomAD 0.00488; TOPMed 0.00580; ESP Exome Variant Server 0.00677; 1000 Genomes Project 0.00859; 1000 Genomes Project 30x 0.00953.
gnomAD v4.1: 1,530 of 1,613,774 alleles (0.095%); highest among the groups gnomAD compares: African/African-American, 1.7%; 17 homozygotes.

Submissions (2):

Labcorp Genetics (formerly Invitae), Labcorp
Classification: Benign. Last evaluated: 2026-01-25. Review status: criteria provided, single submitter. Criteria: Invitae Variant Classification Sherloc (09022015). Collection method: clinical testing. Allele origin: germline.

Illumina Laboratory Services, Illumina
Classification: Benign for Renal tubular acidosis, distal, 3, with or without sensorineural hearing loss. Last evaluated: 2018-01-13. Review status: criteria provided, single submitter. Criteria: ICSL Variant Classification Criteria 13 December 2019. Collection method: clinical testing. Allele origin: germline.
Comment: This variant was observed in the ICSL laboratory as part of a predisposition screen in an ostensibly healthy population. It had not been previously curated by ICSL or reported in the Human Gene Mutation Database (HGMD: prior to June 1st, 2018), and was therefore a candidate for classification through an automated scoring system. Utilizing variant allele frequency, disease prevalence and penetrance estimates, and inheritance mode, an automated score was calculated to assess if this variant is too frequent to cause the disease. Based on the score and internal cut-off values, a variant classified as benign is not then subjected to further curation. The score for this variant resulted in a classification of benign for this disease.

NM_020632.3(ATP6V0A4):c.1181-4G>A

Gene: ATP6V0A4 (ATPase H+ transporting V0 subunit a4; minus strand). Cytogenetic location: 7q34.
Variant type: single nucleotide variant.
Coding change: c.1181-4G>A on transcript NM_020632.3 (MANE Select); 4 bases into the intron before coding-DNA position 1181, G replaced by A.
Molecular consequence: intron variant.
Genome position (GRCh38, 1-based): chr7:138,747,568, C>T on the plus strand (G>A on the coding strand, the complement: ATP6V0A4 is on the minus strand). VCF-style: chr7-138747568-C-T. GRCh37 (hg19) VCF-style: chr7-138432313-C-T.
Other names: c.1181-4G>A (NM_130840.3, NM_130841.3).
Identifiers: ClinVar variation 359018 (VCV000359018.14), dbSNP rs189734354, ClinGen allele CA4504855.